The following is an entry in ClinVar:

NM_000059.4(BRCA2):c.3861TAA[1] (p.Asn1288del)

Gene: BRCA2 (BRCA2 DNA repair associated; plus strand). Cytogenetic location: 13q13.1.
Variant type: Microsatellite.
Coding change: c.3861TAA[1] on transcript NM_000059.4 (MANE Select); one copy of the 3-base unit TAA starting at c.3861; the reference has two copies in a row; one copy, 3 bases deleted; also written c.3864_3866del.
Protein change: p.Asn1288del; deletes asparagine 1288.
Molecular consequence: inframe deletion.
Genome position (GRCh38, 1-based): chr13:32,338,219-32,338,221, TAA deleted; deleting any 3 consecutive bases within chr13:32,338,214-32,338,221 gives the same sequence; the position shown is the placement nearest the transcript's 3' end. VCF-style (leftmost placement, unchanged base first): chr13-32338213-AAAT-A. GRCh37 (hg19) VCF-style: chr13-32912350-AAAT-A.
Other names: 4092delTAA; p.Asn1288del; c.3864_3866del (NM_000059.4); c.3864_3866delTAA (NM_000059.4, NM_000059.3); short protein forms N1288del.
Identifiers: ClinVar variation 126027 (VCV000126027.40), dbSNP rs276174837, ClinGen allele CA019013.

ClinVar aggregate classification (germline): Conflicting classifications of pathogenicity. Review status: criteria provided, conflicting classifications (1 of 4 stars). 18 submissions from 17 submitters: Uncertain significance (14); Likely benign (1). 3 of the submissions do not count toward it. Last evaluated 2026-07-29.

Conditions:
BRCA2-related cancer predisposition. Identifiers: MedGen CN377758, MONDO:0700269.
Breast and/or ovarian cancer. Identifiers: MedGen CN221562.
Hereditary cancer-predisposing syndrome. Also called: Hereditary neoplastic syndrome; Tumor predisposition; Neoplastic Syndromes, Hereditary; Hereditary Cancer Syndrome. Identifiers: Orphanet 140162, MedGen C0027672, MeSH D009386, MONDO:0015356.
Hereditary breast ovarian cancer syndrome. Also called: BRCA1- and BRCA2-Associated Hereditary Breast and Ovarian Cancer; Hereditary breast and/or ovarian cancer syndrome; Hereditary breast and ovarian cancer; Hereditary breast and ovarian cancer syndrome (HBOC); Breast and ovarian cancer; Hereditary breast and ovarian cancer syndrome. Identifiers: Orphanet 145, MedGen C0677776, MeSH D061325, MONDO:0003582. Disease mechanism: loss of function.
Breast-ovarian cancer, familial, susceptibility to, 2 (BROVCA2). Also called: BRCA2 Hereditary Breast and Ovarian Cancer. Identifiers: Orphanet 145, MedGen C2675520, MONDO:0012933, OMIM 612555. Disease mechanism: loss of function.
Microprolactinoma. Identifiers: MedGen C0344452, HP:0012341.

Submissions (18):

Institute of Human Genetics, University of Leipzig Medical Center
Classification: Likely benign for Breast-ovarian cancer, familial, susceptibility to, 2. Last evaluated: 2026-07-29. Review status: criteria provided, single submitter. Criteria: ACMG Guidelines, 2015. Collection method: clinical testing. Allele origin: unknown. Affected: yes.
Comment: Criteria applied: BP1_STR

Labcorp Genetics (formerly Invitae), Labcorp
Classification: Uncertain significance for Hereditary breast ovarian cancer syndrome. Last evaluated: 2026-01-18. Review status: criteria provided, single submitter. Criteria: Invitae Variant Classification Sherloc (09022015). Collection method: clinical testing. Allele origin: germline.
Comment: This variant, c.3864_3866del, results in the deletion of 1 amino acid(s) of the BRCA2 protein (p.Asn1288del), but otherwise preserves the integrity of the reading frame. This variant is not present in population databases (gnomAD no frequency). This variant has been observed in individual(s) with a family history of breast and/or ovarian cancer (PMID: 21232165, 22366370). This variant is also known as c.3863delTAA. ClinVar contains an entry for this variant (Variation ID: 126027). Experimental studies and prediction algorithms are not available or were not evaluated, and the functional significance of this variant is currently unknown. In summary, the available evidence is currently insufficient to determine the role of this variant in disease. Therefore, it has been classified as a Variant of Uncertain Significance.

Ambry Genetics
Classification: Uncertain significance for Hereditary cancer-predisposing syndrome. Last evaluated: 2025-12-04. Review status: criteria provided, single submitter. Criteria: Ambry Variant Classification Scheme 2023. Collection method: clinical testing. Allele origin: germline.
Comment: The c.3864_3866delTAA variant (also known as p.N1288del) is located in coding exon 10 of the BRCA2 gene. This variant results from an in-frame TAA deletion at nucleotide positions 3864 to 3866. This results in the in-frame deletion of an asparagine at codon 1288. This amino acid position is poorly conserved in available vertebrate species. In addition, this alteration is predicted to be deleterious by in silico analysis (Choi Y et al. PLoS ONE. 2012; 7(10):e46688). Based on the available evidence, the clinical significance of this variant remains unclear.

Color Diagnostics, LLC DBA Color Health
Classification: Uncertain significance for Hereditary cancer-predisposing syndrome. Last evaluated: 2025-11-05. Review status: criteria provided, single submitter. Criteria: ACMG Guidelines, 2015. Collection method: clinical testing. Allele origin: germline.
Comment: This variant causes an in-frame deletion of one amino acid in the BRCA2 protein. To our knowledge, functional studies have not been reported for this variant. Multifactorial analysis reached a combined likelihood ratio (LR) of 1.727 based on co-occurrence with a pathogenic variant, case-control data and personal and family history for 5 carriers (PMID: 3111967, 31853058, 40413188). This variant has been identified in 1/197174 chromosomes in the general population by the Genome Aggregation Database (gnomAD). The available evidence is insufficient to determine the role of this variant in disease conclusively. Therefore, this variant is classified as a Variant of Uncertain Significance.

Women's Health and Genetics/Laboratory Corporation of America, LabCorp
Classification: Uncertain significance. Last evaluated: 2025-05-08. Review status: criteria provided, single submitter. Criteria: LabCorp Variant Classification Summary - May 2015. Collection method: clinical testing. Allele origin: germline.
Comment: Variant summary: BRCA2 c.3864_3866delTAA (p.Asn1288del) results in an in-frame deletion that is predicted to remove one amino acid from the encoded protein. The variant allele was found at a frequency of 5.1e-06 in 197484 control chromosomes. The available data on variant occurrences in the general population are insufficient to allow any conclusion about variant significance. c.3864_3866delTAA has been reported in the literature in individuals affected with or being tested for Hereditary Breast And Ovarian Cancer Syndrome (Levanat_2012, Stegel_2011, Tsaousis_2019). These reports do not provide unequivocal conclusions about association of the variant with Hereditary Breast And Ovarian Cancer Syndrome. To our knowledge, no experimental evidence demonstrating an impact on protein function has been reported. Nine clinical diagnostic laboratories have submitted clinical-significance assessments for this variant to ClinVar after 2014 without evidence for independent evaluation. ClinVar contains an entry for this variant (Variation ID: 126027). Based on the evidence outlined above, the variant was classified as uncertain significance.

All of Us Research Program, National Institutes of Health
Classification: Uncertain significance for BRCA2-related cancer predisposition. Last evaluated: 2024-06-27. Review status: criteria provided, single submitter. Criteria: ACMG Guidelines, 2015. Collection method: clinical testing. Allele origin: germline. Inheritance: Autosomal dominant inheritance. Observed: 5 variant alleles, 5 heterozygotes.
Comment: This variant causes an in-frame deletion of one amino acid in the BRCA2 protein. To our knowledge, functional studies have not been reported for this variant. This variant has been reported in two families affected with breast and/or ovarian cancer, with no details provided about the affected individuals (PMID: 21232165, 22366370). This variant has been identified in 1/197174 chromosomes in the general population by the Genome Aggregation Database (gnomAD). The available evidence is insufficient to determine the role of this variant in disease conclusively. Therefore, this variant is classified as a Variant of Uncertain Significance.

This study involves interpretation of variants in research participants for the purpose of population health screening. Participant phenotype was not available at the time of variant classification. Additional details can be found in publication PMID: 35346344, PMCID: PMC8962531

GeneDx
Classification: Uncertain significance. Last evaluated: 2023-10-22. Review status: criteria provided, single submitter. Criteria: GeneDx Variant Classification Process June 2021. Collection method: clinical testing. Allele origin: germline.
Comment: In-frame deletion of 1 amino acid in a non-repeat region; Observed in individuals with a personal and/or family history of breast and/or other cancers (PMID: 22366370, 31159747, 31853058); Not observed at significant frequency in large population cohorts (gnomAD); In silico analysis supports a deleterious effect on protein structure/function; Also known as 4092_4094delTAA; This variant is associated with the following publications: (PMID: 22366370, 31131967, 18844490, 31159747, 21232165, 31853058)

Mayo Clinic Laboratories, Mayo Clinic
Classification: Uncertain significance. Last evaluated: 2023-10-03. Review status: criteria provided, single submitter. Criteria: ACMG Guidelines, 2015. Collection method: clinical testing. Allele origin: germline. Observed: 1 variant allele.

CHEO Genetics Diagnostic Laboratory, Children's Hospital of Eastern Ontario
Classification: Uncertain significance for Breast and/or ovarian cancer. Last evaluated: 2023-05-24. Review status: criteria provided, single submitter. Criteria: ACMG Guidelines, 2015. Collection method: clinical testing. Allele origin: germline.

Centre for Mendelian Genomics, University Medical Centre Ljubljana
Classification: Uncertain significance for Breast-ovarian cancer, familial, susceptibility to, 2. Last evaluated: 2020-02-21. Review status: criteria provided, single submitter. Criteria: ACMG Guidelines, 2015. Collection method: clinical testing. Allele origin: unknown. Affected: yes.
Comment: This variant was classified as: Uncertain significance. The available evidence on this variant's pathogenicity is insufficient or conflicting. The following ACMG criteria were applied in classifying this variant: PM2,PM4.

Centre for Mendelian Genomics, University Medical Centre Ljubljana
Classification: Uncertain significance for Microprolactinoma. Last evaluated: 2020-02-21. Review status: criteria provided, single submitter. Criteria: ACMG guidelines, Richards 2015. Collection method: clinical testing. Allele origin: germline. Affected: yes.
Comment: This variant was classified as: Likely pathogenic. The following ACMG criteria were applied in classifying this variant: PM1,PM2,PP3,PP4,PP5. This variant was detected in heterozygous state.

Mendelics
Classification: Uncertain significance for Breast-ovarian cancer, familial, susceptibility to, 2. Last evaluated: 2019-05-28. Review status: criteria provided, single submitter. Criteria: Mendelics Assertion Criteria 2017. Collection method: clinical testing. Allele origin: unknown.

GeneKor MSA
Classification: Uncertain significance for Hereditary cancer-predisposing syndrome. Last evaluated: 2018-08-01. Review status: criteria provided, single submitter. Criteria: ACMG Guidelines, 2015. Collection method: clinical testing. Allele origin: germline.

Quest Diagnostics Nichols Institute San Juan Capistrano
Classification: Uncertain significance. Last evaluated: 2017-12-18. Review status: criteria provided, single submitter. Criteria: Quest Diagnostics criteria. Collection method: clinical testing. Allele origin: germline.

Department of Pathology and Molecular Medicine, Queen's University
Classification: Uncertain significance. Last evaluated: 2017-04-20. Review status: criteria provided, single submitter. Criteria: ACMG Guidelines, 2015. Collection method: clinical testing. Allele origin: germline. Study: The Canadian Open Genetics Repository (COGR).

Breast Cancer Information Core (BIC) (BRCA2)
Classification: Uncertain significance for Breast-ovarian cancer, familial 2. Last evaluated: 2010-12-17. Review status: no assertion criteria provided. Collection method: clinical testing. Allele origin: germline. Affected: yes. Observed: 1 variant allele. Not counted in ClinVar's aggregate classification.

Clinical Genetics DNA and cytogenetics Diagnostics Lab, Erasmus MC, Erasmus Medical Center
Classification: Uncertain significance. Review status: no assertion criteria provided. Collection method: clinical testing. Allele origin: germline. Affected: yes. Study: VKGL Data-share Consensus. Not counted in ClinVar's aggregate classification.

Diagnostic Laboratory, Department of Genetics, University Medical Center Groningen
Classification: Uncertain significance. Review status: no assertion criteria provided. Collection method: clinical testing. Allele origin: germline. Affected: yes. Study: VKGL Data-share Consensus. Not counted in ClinVar's aggregate classification.

Literature cited by the submitters: PubMed 21232165 (cited by 6 submitters); PubMed 22366370 (cited by 6 submitters); PubMed 18844490 (cited by 3 submitters); PubMed 31159747 (cited by 4 submitters); PubMed 3111967 (cited by Color Diagnostics, LLC DBA Color Health); PubMed 31853058 (cited by Color Diagnostics, LLC DBA Color Health); PubMed 40413188 (cited by Color Diagnostics, LLC DBA Color Health).